The following is an entry in ClinVar:

NM_001367624.2(ZNF469):c.11783A>T (p.Gln3928Leu)

Gene: ZNF469 (zinc finger protein 469; plus strand). Cytogenetic location: 16q24.2.
Variant type: single nucleotide variant.
Coding change: c.11783A>T on transcript NM_001367624.2 (MANE Select); coding-DNA position 11783, A replaced by T.
Protein change: p.Gln3928Leu; replaces glutamine 3928 with leucine.
Molecular consequence: missense variant.
Genome position (GRCh38, 1-based): chr16:88,439,253, A>T. VCF-style: chr16-88439253-A-T. GRCh37 (hg19) VCF-style: chr16-88505661-A-T.
Other names: NM_001127464.1:c.11699A>T; short protein forms Q3928L.
Identifiers: ClinVar variation 2497308 (VCV002497308.2), dbSNP rs988457783, ClinGen allele CA286388563.

ClinVar aggregate classification (germline): Uncertain significance (1 of 4 stars; one submission).

Conditions:
Cardiovascular phenotype. Identifiers: MedGen CN230736.

gnomAD v4.1: 5 of 1,550,404 alleles (0.00032%); highest among the groups gnomAD compares: African/African-American, 0.0068%; no homozygotes.

Submission:

Ambry Genetics
Classification: Uncertain significance for Cardiovascular phenotype. Last evaluated: 2022-11-27. Review status: criteria provided, single submitter. Criteria: Ambry Variant Classification Scheme 2023. Collection method: clinical testing. Allele origin: germline.
Comment: The p.Q3900L variant (also known as c.11699A>T), located in coding exon 2 of the ZNF469 gene, results from an A to T substitution at nucleotide position 11699. The glutamine at codon 3900 is replaced by leucine, an amino acid with dissimilar properties. This amino acid position is conserved. In addition, this alteration is predicted to be tolerated by in silico analysis. Since supporting evidence is limited at this time, the clinical significance of this alteration remains unclear.